The following is an entry in ClinVar:

ClinVar aggregate classification (germline): Uncertain significance (1 of 4 stars; one submission).

Conditions:
Factor H deficiency (CFHD). Also called: COMPLEMENT FACTOR H DEFICIENCY; CFH DEFICIENCY. Identifiers: Orphanet 200421, MedGen C0398777, MONDO:0012350, OMIM 609814.

Submission:

Genomenon, Inc
Classification: Uncertain significance for Factor H deficiency. Last evaluated: 2025-10-02. Review status: criteria provided, single submitter. Criteria: Genomenon Sequence Variant Interpretation Standards - Updated. Collection method: curation. Allele origin: germline. Affected: yes.
Comment: CFH p.Pro139Ser (c.415C>T) is a missense variant that changes the amino acid at residue 139 from Proline to Serine. This variant has been observed in at least one proband affected with complement factor H deficiency (PMID:21270828). It is absent or not present at a significant frequency in gnomAD. In silico models agree that this variant is possibly or probably damaging. In conclusion, we classify CFH p.Pro139Ser (c.415C>T) as a variant of uncertain significance.

Literature cited by the submitters: PubMed 21270828.

NM_000186.4(CFH):c.415C>T (p.Pro139Ser)

Gene: CFH (complement factor H; plus strand). Cytogenetic location: 1q31.3.
Variant type: single nucleotide variant.
Coding change: c.415C>T on transcript NM_000186.4 (MANE Select); coding-DNA position 415, C replaced by T.
Protein change: p.Pro139Ser; replaces proline 139 with serine.
Molecular consequence: missense variant.
Genome position (GRCh38, 1-based): chr1:196,676,053, C>T. VCF-style: chr1-196676053-C-T. GRCh37 (hg19) VCF-style: chr1-196645183-C-T.
Other names: c.415C>T, p.Pro139Ser (NM_001014975.3); short protein forms P139S.
Identifiers: ClinVar variation 4291690 (VCV004291690.1).